The following is an entry in ClinVar:

ClinVar aggregate classification (germline): Uncertain significance (1 of 4 stars; one submission).

Conditions:
Charcot-Marie-Tooth disease type 2. Also called: Charcot-Marie-Tooth type 2. Identifiers: Orphanet 64746, MedGen C0270914, MONDO:0018993.

Submission:

Labcorp Genetics (formerly Invitae), Labcorp
Classification: Uncertain significance for Charcot-Marie-Tooth disease type 2. Last evaluated: 2024-04-02. Review status: criteria provided, single submitter. Criteria: Invitae Variant Classification Sherloc (09022015). Collection method: clinical testing. Allele origin: germline.
Comment: This sequence change replaces proline, which is neutral and non-polar, with serine, which is neutral and polar, at codon 40 of the KIF1B protein (p.Pro40Ser). This variant is not present in population databases (gnomAD no frequency). This variant has not been reported in the literature in individuals affected with KIF1B-related conditions. Advanced modeling of protein sequence and biophysical properties (such as structural, functional, and spatial information, amino acid conservation, physicochemical variation, residue mobility, and thermodynamic stability) performed at Invitae indicates that this missense variant is not expected to disrupt KIF1B protein function with a negative predictive value of 80%. In summary, the available evidence is currently insufficient to determine the role of this variant in disease. Therefore, it has been classified as a Variant of Uncertain Significance.

NM_001365951.3(KIF1B):c.118C>T (p.Pro40Ser)

Gene: KIF1B (kinesin family member 1B; plus strand). Cytogenetic location: 1p36.22.
Variant type: single nucleotide variant.
Coding change: c.118C>T on transcript NM_001365951.3 (MANE Select); coding-DNA position 118, C replaced by T.
Protein change: p.Pro40Ser; replaces proline 40 with serine.
Molecular consequence: missense variant.
Genome position (GRCh38, 1-based): chr1:10,256,258, C>T. VCF-style: chr1-10256258-C-T. GRCh37 (hg19) VCF-style: chr1-10316316-C-T.
Other names: c.118C>T, p.Pro40Ser (NM_001365952.1, NM_001365953.1, NM_015074.3 and 1 more transcripts); short protein forms P40S.
Identifiers: ClinVar variation 3648422 (VCV003648422.2).